The following is an entry in ClinVar:

ClinVar aggregate classification (germline): Likely benign (0 of 4 stars; one submission).

Conditions:
NLGN2-related disorder. Also called: NLGN2-related condition.

Allele frequency attached by ClinVar (database versions not stated): 1000 Genomes Project 30x 0.00016.
gnomAD v4.1: 207 of 1,558,232 alleles (0.013%); highest among the groups gnomAD compares: Non-Finnish European, 0.017%; no homozygotes.

Submission:

PreventionGenetics, part of Exact Sciences
Classification: Likely benign for NLGN2-related condition. Last evaluated: 2019-03-01. Review status: no assertion criteria provided. Collection method: clinical testing. Allele origin: germline.
Comment: This variant is classified as likely benign based on ACMG/AMP sequence variant interpretation guidelines (Richards et al. 2015 PMID: 25741868, with internal and published modifications).

NM_020795.4(NLGN2):c.1965C>G (p.Pro655=)

Gene: NLGN2 (neuroligin 2; plus strand). Cytogenetic location: 17p13.1.
Variant type: single nucleotide variant.
Coding change: c.1965C>G on transcript NM_020795.4 (MANE Select); coding-DNA position 1965, C replaced by G.
Protein change: p.Pro655=; no amino-acid change (proline 655 retained).
Molecular consequence: synonymous variant.
Genome position (GRCh38, 1-based): chr17:7,417,256, C>G. VCF-style: chr17-7417256-C-G. GRCh37 (hg19) VCF-style: chr17-7320575-C-G.
Identifiers: ClinVar variation 3035647 (VCV003035647.2), dbSNP rs755179028, ClinGen allele CA8346190.